The following is an entry in ClinVar:

NM_015340.4(LARS2):c.763G>A (p.Ala255Thr)

Gene: LARS2 (leucyl-tRNA synthetase 2, mitochondrial; plus strand). Cytogenetic location: 3p21.31.
Variant type: single nucleotide variant.
Coding change: c.763G>A on transcript NM_015340.4 (MANE Select); coding-DNA position 763, G replaced by A.
Protein change: p.Ala255Thr; replaces alanine 255 with threonine.
Molecular consequence: missense variant.
Genome position (GRCh38, 1-based): chr3:45,474,255, G>A. VCF-style: chr3-45474255-G-A. GRCh37 (hg19) VCF-style: chr3-45515747-G-A.
Other names: c.763G>A, p.Ala255Thr (NM_001368263.1); short protein forms A255T.
Identifiers: ClinVar variation 667120 (VCV000667120.31), dbSNP rs201911936, ClinGen allele CA2349412.
Genomic context (GRCh38, chr3:45,474,255, plus strand): 5'-AAATAAGCCTTGTGCCTCTACTTCTTTGTTCTCCTTTCATTTGCACAGGCCATGCAGGAC[G>A]CGTTGGCAGACCTTCCAGAATGGTATGGAATAAAAGGCATGCAAGCCCACTGGATTGGGG-3'
Protein context (NP_056155.1, residues 245-265): TTAYAKAMQD[Ala255Thr]LADLPEWYGI

ClinVar aggregate classification (germline): Conflicting classifications of pathogenicity. Review status: criteria provided, conflicting classifications (1 of 4 stars). 5 submissions from 5 submitters: Uncertain significance (4); Likely benign (1). Last evaluated 2024-05-20.

Conditions:
Inborn genetic diseases. Identifiers: MedGen C0950123, MeSH D030342.

Allele frequency attached by ClinVar (database versions not stated): gnomAD exomes 0.00006 and 0.00004; ESP Exome Variant Server 0.00008; TOPMed 0.00004; gnomAD 0.00005 and 0.00006; ExAC 0.00006.
gnomAD v4.1: 73 of 1,608,280 alleles (0.0045%); highest among the groups gnomAD compares: South Asian, 0.0088%; no homozygotes.

Submissions (5):

Ambry Genetics
Classification: Uncertain significance for Inborn genetic diseases. Last evaluated: 2024-05-20. Review status: criteria provided, single submitter. Criteria: Ambry Variant Classification Scheme 2023. Collection method: clinical testing. Allele origin: germline.

CeGaT Center for Human Genetics Tuebingen
Classification: Uncertain significance. Last evaluated: 2024-01-01. Review status: criteria provided, single submitter. Criteria: CeGaT Center For Human Genetics Tuebingen Variant Classification Criteria Version 2. Collection method: clinical testing. Allele origin: germline. Affected: yes. Observed: 1 variant allele.
Comment: LARS2: PM2, BP4

Revvity Omics, Revvity
Classification: Uncertain significance. Last evaluated: 2022-08-01. Review status: criteria provided, single submitter. Criteria: ACMG Guidelines, 2015. Collection method: clinical testing. Allele origin: germline.

Labcorp Genetics (formerly Invitae), Labcorp
Classification: Uncertain significance. Last evaluated: 2022-05-03. Review status: criteria provided, single submitter. Criteria: Invitae Variant Classification Sherloc (09022015). Collection method: clinical testing. Allele origin: germline.
Comment: This sequence change replaces alanine, which is neutral and non-polar, with threonine, which is neutral and polar, at codon 255 of the LARS2 protein (p.Ala255Thr). This variant is present in population databases (rs201911936, gnomAD 0.01%). This variant has not been reported in the literature in individuals affected with LARS2-related conditions. ClinVar contains an entry for this variant (Variation ID: 667120). Algorithms developed to predict the effect of missense changes on protein structure and function output the following: SIFT: "Tolerated"; PolyPhen-2: "Benign"; Align-GVGD: "Class C0". The threonine amino acid residue is found in multiple mammalian species, which suggests that this missense change does not adversely affect protein function. In summary, the available evidence is currently insufficient to determine the role of this variant in disease. Therefore, it has been classified as a Variant of Uncertain Significance.

Laboratory for Molecular Medicine, Mass General Brigham Personalized Medicine
Classification: Likely benign. Last evaluated: 2018-04-17. Review status: criteria provided, single submitter. Criteria: LMM Criteria. Collection method: clinical testing. Allele origin: germline. Observed: 1 variant allele.
Comment: p.Ala255Thr in exon 9 of LARS2: This variant is not expected to have clinical si gnificance due to a lack of conservation across species, including mammals. Of n ote, 3 mammals have a threonine (Thr) at this position despite high nearby amino acid conservation. In addition, computational prediction tools do not suggest a high likelihood of impact to the protein. This variant has been identified in 1 2/125966 European chromosomes by the Genome Aggregation Database (gnomAD; rs201911936). ACMG/AMP Criteria applied: BP4_Strong.